The following is an entry in ClinVar:

ClinVar aggregate classification (germline): Pathogenic/Likely pathogenic. Review status: criteria provided, multiple submitters, no conflicts (2 of 4 stars). 4 submissions from 4 submitters: Pathogenic (1); Likely pathogenic (3). Last evaluated 2025-11-13.

Conditions:
TH-deficient dopa-responsive dystonia. Also called: Tyrosine Hydroxylase-Deficient Dopa-Responsive Dystonia; Segawa syndrome, autosomal recessive; DYT-TH. Identifiers: Orphanet 101150, MedGen C2673535, MONDO:0011551, OMIM 605407.

Submissions (4):

Women's Health and Genetics/Laboratory Corporation of America, LabCorp
Classification: Likely pathogenic for TH-deficient dopa-responsive dystonia. Last evaluated: 2025-11-13. Review status: criteria provided, single submitter. Criteria: LabCorp Variant Classification Summary - May 2015. Collection method: clinical testing. Allele origin: germline.
Comment: Variant summary: TH c.982C>T (p.Arg328Trp) results in a non-conservative amino acid change in the encoded protein sequence. Algorithms developed to predict the effect of missense changes on protein structure and function all suggest that this variant is likely to be disruptive. The frequency data for this variant in gnomAD is considered unreliable, as metrics indicate poor data quality at this position. c.982C>T has been observed in individual(s) affected with Segawa Syndrome, Autosomal Recessive (Moller_2005, Tristan-Noguero_2016). At least one publication reports experimental evidence evaluating an impact on protein function. The most pronounced variant effect results in <1% of normal activity (Fossbakk_2014). The following publications have been ascertained in the context of this evaluation (PMID: 16049992, 24753243, 26686676, 38196161). ClinVar contains an entry for this variant (Variation ID: 2136954). Based on the evidence outlined above, the variant was classified as likely pathogenic.

GeneDx
Classification: Pathogenic. Last evaluated: 2025-04-08. Review status: criteria provided, single submitter. Criteria: GeneDx Variant Classification Process June 2021. Collection method: clinical testing. Allele origin: germline. Affected: yes.
Comment: Published functional studies demonstrate a damaging effect leading to reduced enzyme activity (PMID: 24753243); In silico analysis supports that this missense variant has a deleterious effect on protein structure/function; Not observed at significant frequency in large population cohorts (gnomAD); This variant is associated with the following publications: (PMID: 36740977, 29126763, 26686676, 24753243, 38196161, 16049992)

Natera, Inc.
Classification: Likely pathogenic for Autosomal recessive Segawa syndrome. Last evaluated: 2024-11-20. Review status: criteria provided, single submitter. Criteria: Natera Variant Classification Schema (03/2026). Collection method: clinical testing. Allele origin: germline.
Comment: The c.982C>T variant in TH is a missense variant predicted to cause substitution of arginine to tryptophan at amino acid 328. This variant is rare in the general population with a frequency below the threshold expected for the associated phenotype(s). This variant has been observed in one or more individuals affected with the associated recessive disease, as either homozygous or compound heterozygous with a second variant (PMID: 26686676). This variant has been observed to segregate in affected family members (PMID: 26686676). Functional studies show that this variant may disrupt protein function (PMID: 24753243). A different variant at the same position has been determined to be Pathogenic or Likely Pathogenic. Computational prediction algorithms indicate this variant is likely to affect gene or protein function. Given the available evidence, this variant is classified as Likely Pathogenic.

Labcorp Genetics (formerly Invitae), Labcorp
Classification: Likely pathogenic for TH-deficient dopa-responsive dystonia. Last evaluated: 2022-02-22. Review status: criteria provided, single submitter. Criteria: Invitae Variant Classification Sherloc (09022015). Collection method: clinical testing. Allele origin: germline.
Comment: In summary, the currently available evidence indicates that the variant is pathogenic, but additional data are needed to prove that conclusively. Therefore, this variant has been classified as Likely Pathogenic. This variant disrupts the p.Arg328 amino acid residue in TH. Other variant(s) that disrupt this residue have been observed in individuals with TH-related conditions (PMID: 28087438), which suggests that this may be a clinically significant amino acid residue. Experimental studies have shown that this missense change affects TH function (PMID: 24753243). Advanced modeling of protein sequence and biophysical properties (such as structural, functional, and spatial information, amino acid conservation, physicochemical variation, residue mobility, and thermodynamic stability) performed at Invitae indicates that this missense variant is expected to disrupt TH protein function. This missense change has been observed in individual(s) with tyrosine hydroxylase deficiency (PMID: 16049992). In at least one individual the data is consistent with being in trans (on the opposite chromosome) from a pathogenic variant. This variant is not present in population databases (gnomAD no frequency). This sequence change replaces arginine, which is basic and polar, with tryptophan, which is neutral and slightly polar, at codon 328 of the TH protein (p.Arg328Trp).

Literature cited by the submitters: PubMed 24753243 (cited by 3 submitters); PubMed 38196161 (cited by Women's Health and Genetics/Laboratory Corporation of America, LabCorp); PubMed 16049992 (cited by Women's Health and Genetics/Laboratory Corporation of America, LabCorp and Labcorp Genetics (formerly Invitae), Labcorp); PubMed 26686676 (cited by Women's Health and Genetics/Laboratory Corporation of America, LabCorp and Natera, Inc.); PubMed 28087438 (cited by Labcorp Genetics (formerly Invitae), Labcorp).

NM_000360.4(TH):c.889C>T (p.Arg297Trp)

Gene: TH (tyrosine hydroxylase; minus strand). Cytogenetic location: 11p15.5.
Variant type: single nucleotide variant.
Coding change: c.889C>T on transcript NM_000360.4 (MANE Select); coding-DNA position 889, C replaced by T.
Protein change: p.Arg297Trp; replaces arginine 297 with tryptophan.
Molecular consequence: missense variant.
Genome position (GRCh38, 1-based): chr11:2,166,721, G>A on the plus strand (C>T on the coding strand, the complement: TH is on the minus strand). VCF-style: chr11-2166721-G-A. GRCh37 (hg19) VCF-style: chr11-2187951-G-A.
Other names: c.982C>T (NM_199292.2); c.982C>T, p.Arg328Trp (NM_199292.3); c.970C>T, p.Arg324Trp (NM_199293.3); short protein forms R297W, R328W, R324W.
Identifiers: ClinVar variation 2136954 (VCV002136954.7), dbSNP rs1428589694, ClinGen allele CA379126279.